The following is an entry in ClinVar:

ClinVar aggregate classification (germline): Uncertain significance (1 of 4 stars; one submission).

Conditions:
Combined immunodeficiency due to DOCK8 deficiency (HIES2). Also called: Hyper-IgE recurrent infection syndrome, autosomal recessive; HIES autosomal recessive; HYPER-IgE SYNDROME 2, AUTOSOMAL RECESSIVE, WITH RECURRENT INFECTIONS; HYPER-IgE RECURRENT INFECTION SYNDROME 2, AUTOSOMAL RECESSIVE; DOCK8 Deficiency. Identifiers: Orphanet 217390, MedGen C4722305, MONDO:0009478, OMIM 243700.

Allele frequency attached by ClinVar (database versions not stated): TOPMed below 0.00001.

Submission:

Neuberg Centre For Genomic Medicine, NCGM
Classification: Uncertain significance for Combined immunodeficiency due to DOCK8 deficiency. Review status: criteria provided, single submitter. Criteria: ACMG Guidelines, 2015. Collection method: clinical testing. Allele origin: germline. Affected: yes.
Comment: The missense variant p.P1898L in DOCK8 (NM_203447.4) has not been reported previously as a pathogenic variant nor as a benign variant, to our knowledge. The p.P1898L variant is novel (not in any individuals) in gnomAD Exomes and is novel (not in any individuals) in 1000 Genomes. There is a moderate physicochemical difference between proline and leucine. The p.P1898L missense variant is predicted to be damaging by both SIFT and PolyPhen2. The proline residue at codon 1898 of DOCK8 is conserved in all mammalian species. The nucleotide c.5693 in DOCK8 is predicted conserved by GERP++ and PhyloP across 100 vertebrates. For these reasons, this variant has been classified as Uncertain Significance.

NM_203447.4(DOCK8):c.5693C>T (p.Pro1898Leu)

Gene: DOCK8 (dedicator of cytokinesis 8; plus strand). Cytogenetic location: 9p24.3.
Variant type: single nucleotide variant.
Coding change: c.5693C>T on transcript NM_203447.4 (MANE Select); coding-DNA position 5693, C replaced by T.
Protein change: p.Pro1898Leu; replaces proline 1898 with leucine.
Molecular consequence: missense variant.
Genome position (GRCh38, 1-based): chr9:446,482, C>T. VCF-style: chr9-446482-C-T. GRCh37 (hg19) VCF-style: chr9-446482-C-T.
Other names: c.5393C>T, p.Pro1798Leu (NM_001190458.2); c.5489C>T, p.Pro1830Leu (NM_001193536.2); short protein forms P1798L, P1830L, P1898L.
Identifiers: ClinVar variation 1339071 (VCV001339071.2), dbSNP rs2057264393, ClinGen allele CA372769016.
Genomic context (GRCh38, chr9:446,482, plus strand): 5'-AAGACAGGGTCACATACTTTGAGAAGAATTTCAACCTCCGGAGGTTCATGTACACCACCC[C>T]GTTCACCCTGGAGGGGCGGCCTCGGGGAGAGCTGCATGAGCAGTACAGAAGGAACACAGT-3'
Protein context (NP_982272.2, residues 1888-1908): FNLRRFMYTT[Pro1898Leu]FTLEGRPRGE